The following is an entry in ClinVar:

NM_001042492.3(NF1):c.5816T>G (p.Ile1939Ser)

Gene: NF1 (neurofibromin 1; plus strand). Cytogenetic location: 17q11.2.
Variant type: single nucleotide variant.
Coding change: c.5816T>G on transcript NM_001042492.3 (MANE Select); coding-DNA position 5816, T replaced by G.
Protein change: p.Ile1939Ser; replaces isoleucine 1939 with serine.
Molecular consequence: missense variant.
Genome position (GRCh38, 1-based): chr17:31,334,841, T>G. VCF-style: chr17-31334841-T-G. GRCh37 (hg19) VCF-style: chr17-29661859-T-G.
Other names: c.5753T>G, p.Ile1918Ser (NM_000267.4); short protein forms I1918S, I1939S.
Identifiers: ClinVar variation 1005316 (VCV001005316.6), dbSNP rs1304057833, ClinGen allele CA399010554.
Genomic context (GRCh38, chr17:31,334,841, plus strand): 5'-TAATTGTTGATGTGATTTTCATTGACCATCACATGCTAATAGTGTATTTTTTTCCAGGTA[T>G]TGAATTGAAACACCTTTGTTTGGAATACATGACTCCATGGCTGTCAAATCTAGTTCGTTT-3'
Protein context (NP_001035957.1, residues 1929-1949): ECISGFSKSS[Ile1939Ser]ELKHLCLEYM

ClinVar aggregate classification (germline): Conflicting classifications of pathogenicity. Review status: criteria provided, conflicting classifications (1 of 4 stars). 2 submissions from 2 submitters: Uncertain significance (1); Likely benign (1). Last evaluated 2023-01-06.

Conditions:
Neurofibromatosis, type 1 (NF1). Also called: NEUROFIBROMATOSIS, TYPE I, SOMATIC; Peripheral type neurofibromatosis; VON RECKLINGHAUSEN DISEASE; Neurofibromatosis, type I. Identifiers: Orphanet 636, MedGen C0027831, MONDO:0018975, OMIM 162200. Disease mechanism: loss of function.

Submissions (2):

GeneDx
Classification: Uncertain significance. Last evaluated: 2023-01-06. Review status: criteria provided, single submitter. Criteria: GeneDx Variant Classification Process June 2021. Collection method: clinical testing. Allele origin: germline. Affected: yes.
Comment: Not observed at significant frequency in large population cohorts (gnomAD); In silico analysis supports that this missense variant has a deleterious effect on protein structure/function; Has not been previously published as pathogenic or benign to our knowledge; In silico analysis suggests this variant may impact gene splicing. In the absence of RNA/functional studies, the actual effect of this sequence change is unknown.

Labcorp Genetics (formerly Invitae), Labcorp
Classification: Likely benign for Neurofibromatosis, type 1. Last evaluated: 2021-03-25. Review status: criteria provided, single submitter. Criteria: Invitae Variant Classification Sherloc (09022015). Collection method: clinical testing. Allele origin: germline.